The following is an entry in ClinVar:

ClinVar aggregate classification (germline): Pathogenic/Likely pathogenic. Review status: criteria provided, multiple submitters, no conflicts (2 of 4 stars). 2 submissions from 2 submitters: Pathogenic (1); Likely pathogenic (1). Last evaluated 2022-09-19.

Conditions:
Niemann-Pick disease, type C1. Also called: NEUROVISCERAL STORAGE DISEASE WITH VERTICAL SUPRANUCLEAR OPHTHALMOPLEGIA; NIEMANN-PICK DISEASE WITH CHOLESTEROL ESTERIFICATION BLOCK; NIEMANN-PICK DISEASE WITHOUT SPHINGOMYELINASE DEFICIENCY; NIEMANN-PICK DISEASE, CHRONIC NEURONOPATHIC FORM; NIEMANN-PICK DISEASE, VARIANT TYPE C1. Identifiers: Orphanet 646, MedGen C3179455, MONDO:0009757, OMIM 257220.

Submissions (2):

Labcorp Genetics (formerly Invitae), Labcorp
Classification: Pathogenic for Niemann-Pick disease, type C1. Last evaluated: 2022-09-19. Review status: criteria provided, single submitter. Criteria: Invitae Variant Classification Sherloc (09022015). Collection method: clinical testing. Allele origin: germline.
Comment: This sequence change creates a premature translational stop signal (p.Leu58*) in the NPC1 gene. It is expected to result in an absent or disrupted protein product. Loss-of-function variants in NPC1 are known to be pathogenic (PMID: 9211850). This variant is not present in population databases (gnomAD no frequency). This variant has not been reported in the literature in individuals affected with NPC1-related conditions. For these reasons, this variant has been classified as Pathogenic.

Myriad Genetics, Inc.
Classification: Likely pathogenic for Niemann-Pick disease, type C1. Last evaluated: 2022-03-05. Review status: criteria provided, single submitter. Criteria: Myriad Women's Health Autosomal Recessive and X-Linked Classification Criteria (2021). Collection method: clinical testing. Allele origin: unknown.
Comment: NM_000271.4(NPC1):c.173T>A(L58*) is expected to be pathogenic in the context of Niemann-Pick disease type C1. This variant is predicted to lead to an abnormal or absent protein product due to the creation of a premature termination codon in NPC1, a gene where loss-of-function variants are known to be pathogenic. Please note: this variant was assessed in the context of healthy population screening.

Literature cited by the submitters: PubMed 9211850 (cited by Labcorp Genetics (formerly Invitae), Labcorp).

NM_000271.5(NPC1):c.173T>A (p.Leu58Ter)

Gene: NPC1 (NPC intracellular cholesterol transporter 1; minus strand). Cytogenetic location: 18q11.2.
Variant type: single nucleotide variant.
Coding change: c.173T>A on transcript NM_000271.5 (MANE Select); coding-DNA position 173, T replaced by A.
Protein change: p.Leu58Ter; replaces leucine 58 with a stop codon.
Molecular consequence: nonsense.
Genome position (GRCh38, 1-based): chr18:23,573,459, A>T on the plus strand (T>A on the coding strand, the complement: NPC1 is on the minus strand). VCF-style: chr18-23573459-A-T. GRCh37 (hg19) VCF-style: chr18-21153423-A-T.
Other names: short protein forms L58*.
Identifiers: ClinVar variation 1725036 (VCV001725036.7), dbSNP rs2511357450, ClinGen allele CA402041185.
Genomic context (GRCh38, chr18:23,573,459, plus strand): 5'-AGGATCTTGTGATCAGCATTTTGTGTTCCCAGTGCCTAAGATAATGAACTTACCTGCACT[A>T]AGTCATATCCATCCTTTGGCAATGGTTTTGGTGGGCCAGAATATTCGCAATTGTACCTCT-3'